The following is an entry in ClinVar:

ClinVar aggregate classification (germline): Likely benign. Review status: criteria provided, single submitter (1 of 4 stars). 2 submissions from 2 submitters: Likely benign (1). 1 of the submissions does not count toward it. Last evaluated 2022-06-03.

Conditions:
CRYBB1-related disorder. Also called: CRYBB1-related condition.
Cataract 17 multiple types. Also called: CATARACT 17, PULVERULENT; CATARACT 17, CONGENITAL NUCLEAR, AUTOSOMAL RECESSIVE. Identifiers: Orphanet 91492, MedGen C3888124, MONDO:0012688, OMIM 611544.

Allele frequency attached by ClinVar (database versions not stated): gnomAD 0.00002; gnomAD exomes 0.00004 and 0.00009; ExAC 0.00009.
gnomAD v4.1: 63 of 1,613,196 alleles (0.0039%); highest among the groups gnomAD compares: South Asian, 0.054%; no homozygotes.

Submissions (2):

Labcorp Genetics (formerly Invitae), Labcorp
Classification: Likely benign for Cataract 17 multiple types. Last evaluated: 2022-06-03. Review status: criteria provided, single submitter. Criteria: Invitae Variant Classification Sherloc (09022015). Collection method: clinical testing. Allele origin: germline.

PreventionGenetics, part of Exact Sciences
Classification: Likely benign for CRYBB1-related condition. Last evaluated: 2022-04-05. Review status: no assertion criteria provided. Collection method: clinical testing. Allele origin: germline. Not counted in ClinVar's aggregate classification.
Comment: This variant is classified as likely benign based on ACMG/AMP sequence variant interpretation guidelines (Richards et al. 2015 PMID: 25741868, with internal and published modifications).

NM_001887.4(CRYBB1):c.510C>T (p.Asp170=)

Genes: CRYBA4 (crystallin beta A4; plus strand), CRYBB1 (crystallin beta B1; minus strand). Cytogenetic location: 22q12.1.
Variant type: single nucleotide variant.
Coding change: c.510C>T on transcript NM_001887.4 (MANE Select); coding-DNA position 510, C replaced by T.
Protein change: p.Asp170=; no amino-acid change (aspartic acid 170 retained).
Molecular consequence: synonymous variant.
Genome position (GRCh38, 1-based): chr22:26,601,944, G>A on the plus strand (C>T on the coding strand, the complement: CRYBB1 is on the minus strand). VCF-style: chr22-26601944-G-A. GRCh37 (hg19) VCF-style: chr22-26997908-G-A.
Other names: c.510C>T (NM_001887.3).
Identifiers: ClinVar variation 1559028 (VCV001559028.10), dbSNP rs748025775, ClinGen allele CA10165425.
Genomic context (GRCh38, chr22:26,601,944, plus strand): 5'-ACTGGAGACCTTCACGCTGCCCACGCGGTCACTGAAGCCGTAGACCCAGAGACTGGGTGC[G>A]TCGTCCCCCTGGATCTCTATGGTGTTGCCCTTGAAGTTGGCCCCTTCAAACAGGGAGATT-3'
Protein context (NP_001878.1, residues 160-180): KGNTIEIQGD[Asp170=]APSLWVYGFS